The following is an entry in ClinVar:

NM_006206.6(PDGFRA):c.3208A>G (p.Ile1070Val)

Gene: PDGFRA (platelet derived growth factor receptor alpha; plus strand). Cytogenetic location: 4q12.
Variant type: single nucleotide variant.
Coding change: c.3208A>G on transcript NM_006206.6 (MANE Select); coding-DNA position 3208, A replaced by G.
Protein change: p.Ile1070Val; replaces isoleucine 1070 with valine.
Molecular consequence: missense variant.
Genome position (GRCh38, 1-based): chr4:54,295,210, A>G. VCF-style: chr4-54295210-A-G. GRCh37 (hg19) VCF-style: chr4-55161377-A-G.
Other names: c.3283A>G, p.Ile1095Val (NM_001347828.2); c.3208A>G, p.Ile1070Val (NM_001347829.2); c.3247A>G, p.Ile1083Val (NM_001347830.2); short protein forms I1083V, I1070V, I1095V.
Identifiers: ClinVar variation 1728883 (VCV001728883.8), dbSNP rs770192760, ClinGen allele CA2923058.

ClinVar aggregate classification (germline): Conflicting classifications of pathogenicity. Review status: criteria provided, conflicting classifications (1 of 4 stars). 2 submissions from 2 submitters: Uncertain significance (1); Benign (1). Last evaluated 2024-10-28.

Conditions:
Hereditary cancer-predisposing syndrome. Also called: Tumor predisposition; Neoplastic Syndromes, Hereditary; Hereditary Cancer Syndrome; Hereditary neoplastic syndrome. Identifiers: Orphanet 140162, MedGen C0027672, MeSH D009386, MONDO:0015356.
Gastrointestinal stromal tumor. Also called: Gastrointestinal stroma tumor; Gastrointestinal stromal tumor, somatic. Identifiers: Orphanet 44890, MedGen C0238198, MeSH D046152, MONDO:0011719, OMIM 606764, HP:0100723.

Allele frequency attached by ClinVar (database versions not stated): TOPMed below 0.00001; ExAC 0.00001.
gnomAD v4.1: 2 of 1,613,876 alleles (0.00012%); highest among the groups gnomAD compares: Admixed American, 0.0017%; no homozygotes.

Submissions (2):

Ambry Genetics
Classification: Benign for Hereditary cancer-predisposing syndrome. Last evaluated: 2024-10-28. Review status: criteria provided, single submitter. Criteria: Ambry Variant Classification Scheme 2023. Collection method: clinical testing. Allele origin: germline.

Labcorp Genetics (formerly Invitae), Labcorp
Classification: Uncertain significance for Gastrointestinal stromal tumor. Last evaluated: 2024-10-03. Review status: criteria provided, single submitter. Criteria: Invitae Variant Classification Sherloc (09022015). Collection method: clinical testing. Allele origin: germline.
Comment: This sequence change replaces isoleucine, which is neutral and non-polar, with valine, which is neutral and non-polar, at codon 1070 of the PDGFRA protein (p.Ile1070Val). This variant is present in population databases (rs770192760, gnomAD 0.006%). This variant has not been reported in the literature in individuals affected with PDGFRA-related conditions. ClinVar contains an entry for this variant (Variation ID: 1728883). An algorithm developed to predict the effect of missense changes on protein structure and function (PolyPhen-2) suggests that this variant is likely to be tolerated. In summary, the available evidence is currently insufficient to determine the role of this variant in disease. Therefore, it has been classified as a Variant of Uncertain Significance.